The following is an entry in ClinVar:

NM_005720.4(ARPC1B):c.899_944del (p.Glu300fs)

Gene: ARPC1B (actin related protein 2/3 complex subunit 1B; plus strand). Cytogenetic location: 7q22.1.
Variant type: Deletion.
Coding change: c.899_944del on transcript NM_005720.4 (MANE Select); coding-DNA positions 899 to 944, 46 bases deleted.
Protein change: p.Glu300fs; shifts the reading frame from glutamic acid 300.
Molecular consequence: frameshift variant.
Genome position (GRCh38, 1-based): chr7:99,392,786-99,392,831, 46 bases deleted. GRCh37 (hg19): chr7:98,990,409-98,990,454.
Other names: c.899_944del46 (NM_005720.3); short protein forms E300fs.
Identifiers: ClinVar variation 1457394 (VCV001457394.7), dbSNP rs1794611030, ClinGen allele CA1104940640.

ClinVar aggregate classification (germline): Pathogenic/Likely pathogenic. Review status: criteria provided, multiple submitters, no conflicts (2 of 4 stars). 3 submissions from 3 submitters: Pathogenic (2); Likely pathogenic (1). Last evaluated 2025-07-29.

Conditions:
Platelet abnormalities with eosinophilia and immune-mediated inflammatory disease. Also called: IMMUNODEFICIENCY 71 WITH INFLAMMATORY DISEASE AND CONGENITAL THROMBOCYTOPENIA. Identifiers: MedGen C4540232, MONDO:0060583, OMIM 617718.
ARPC1B-related disorder. Also called: ARPC1B-related condition.

Allele frequency attached by ClinVar (database versions not stated): gnomAD 0.00001; TOPMed 0.00001.

Submissions (3):

Labcorp Genetics (formerly Invitae), Labcorp
Classification: Pathogenic. Last evaluated: 2025-07-29. Review status: criteria provided, single submitter. Criteria: Invitae Variant Classification Sherloc (09022015). Collection method: clinical testing. Allele origin: germline.
Comment: This sequence change creates a premature translational stop signal (p.Glu300Glyfs*7) in the ARPC1B gene. It is expected to result in an absent or disrupted protein product. Loss-of-function variants in ARPC1B are known to be pathogenic (PMID: 27965109, 28368018, 29127144). This variant is not present in population databases (gnomAD no frequency). This variant has not been reported in the literature in individuals affected with ARPC1B-related conditions. ClinVar contains an entry for this variant (Variation ID: 1457394). For these reasons, this variant has been classified as Pathogenic.

3billion
Classification: Pathogenic for Platelet abnormalities with eosinophilia and immune-mediated inflammatory disease. Last evaluated: 2025-05-02. Review status: criteria provided, single submitter. Criteria: ACMG Guidelines, 2015. Collection method: clinical testing. Allele origin: germline. Affected: yes.
Comment: The variant is observed at an extremely low frequency in the gnomAD v4.1.0 dataset (total allele frequency: <0.001%). Predicted Consequence/Location: Frameshift: predicted to result in a loss or disruption of normal protein function through nonsense-mediated decay (NMD) or protein truncation. Multiple pathogenic variants are reported downstream of the variant. The variant has been reported at least twice as pathogenic without evidence for the classification (ClinVar ID: VCV001457394). Therefore, this variant is classified as Pathogenic according to the recommendation of ACMG/AMP guideline.

PreventionGenetics, part of Exact Sciences
Classification: Likely pathogenic for ARPC1B-related condition. Last evaluated: 2023-01-20. Review status: criteria provided, single submitter. Criteria: ACMG Guidelines, 2015. Collection method: clinical testing. Allele origin: germline.
Comment: The ARPC1B c.899_944del46 variant is predicted to result in a frameshift and premature protein termination (p.Glu300Glyfs*7). To our knowledge, this variant has not been reported in the literature or in a large population database, indicating this variant is rare. Frameshift variants in ARPC1B are expected to be pathogenic. This variant is interpreted as likely pathogenic.

Literature cited by the submitters: PubMed 27965109 (cited by Labcorp Genetics (formerly Invitae), Labcorp); PubMed 28368018 (cited by Labcorp Genetics (formerly Invitae), Labcorp); PubMed 29127144 (cited by Labcorp Genetics (formerly Invitae), Labcorp).